The following is an entry in ClinVar:

NM_000051.4(ATM):c.8268+1G>C

Genes: ATM (ATM serine/threonine kinase; plus strand), C11orf65 (chromosome 11 open reading frame 65; minus strand). Cytogenetic location: 11q22.3.
Variant type: single nucleotide variant.
Coding change: c.8268+1G>C on transcript NM_000051.4 (MANE Select); the canonical splice donor site of the intron after coding-DNA position 8268, G replaced by C.
Molecular consequence: splice donor variant. On other transcripts: intron variant (2).
Genome position (GRCh38, 1-based): chr11:108,335,962, G>C. VCF-style: chr11-108335962-G-C. GRCh37 (hg19) VCF-style: chr11-108206689-G-C.
Other names: c.8268+1G>C (NM_001351834.2); c.641-26891C>G (NM_001330368.2); c.695-670C>G (NM_001351110.2).
Identifiers: ClinVar variation 1524617 (VCV001524617.8), dbSNP rs876658957, ClinGen allele CA382562704.

ClinVar aggregate classification (germline): Likely pathogenic (1 of 4 stars; one submission).

Conditions:
Ataxia-telangiectasia syndrome (AT). Also called: LOUIS-BAR SYNDROME; Cerebello-oculocutaneous telangiectasia; Immunodeficiency with ataxia telangiectasia; Ataxia telangiectasia (A-T); Ataxia-telangiectasia, complementation group D; AT, COMPLEMENTATION GROUP C. Identifiers: Orphanet 100, MedGen C0004135, MONDO:0008840, OMIM 208900.

Submission:

Labcorp Genetics (formerly Invitae), Labcorp
Classification: Likely pathogenic for Ataxia-telangiectasia syndrome. Last evaluated: 2022-02-19. Review status: criteria provided, single submitter. Criteria: Invitae Variant Classification Sherloc (09022015). Collection method: clinical testing. Allele origin: germline.
Comment: In summary, the currently available evidence indicates that the variant is pathogenic, but additional data are needed to prove that conclusively. Therefore, this variant has been classified as Likely Pathogenic. Algorithms developed to predict the effect of sequence changes on RNA splicing suggest that this variant may disrupt the consensus splice site. This variant has not been reported in the literature in individuals affected with ATM-related conditions. This variant is not present in population databases (gnomAD no frequency). This sequence change affects a donor splice site in intron 56 of the ATM gene. It is expected to disrupt RNA splicing. Variants that disrupt the donor or acceptor splice site typically lead to a loss of protein function (PMID: 16199547), and loss-of-function variants in ATM are known to be pathogenic (PMID: 23807571, 25614872).

Literature cited by the submitters: PubMed 16199547; PubMed 23807571; PubMed 25614872.